The following is an entry in ClinVar:

NM_001271.4(CHD2):c.3237+5T>G

Gene: CHD2 (chromodomain helicase DNA binding protein 2; plus strand). Cytogenetic location: 15q26.1.
Variant type: single nucleotide variant.
Coding change: c.3237+5T>G on transcript NM_001271.4 (MANE Select); 5 bases into the intron after coding-DNA position 3237, T replaced by G.
Molecular consequence: intron variant.
Genome position (GRCh38, 1-based): chr15:92,984,505, T>G. VCF-style: chr15-92984505-T-G. GRCh37 (hg19) VCF-style: chr15-93527735-T-G.
Identifiers: ClinVar variation 474382 (VCV000474382.11), dbSNP rs1015228436, ClinGen allele CA274859128.

ClinVar aggregate classification (germline): Uncertain significance (1 of 4 stars; one submission).

Conditions:
Developmental and epileptic encephalopathy 94 (DEE94). Also called: CHD2-Related Neurodevelopmental Disorders; Epileptic encephalopathy, childhood-onset. Identifiers: Orphanet 1942, Orphanet 2382, MedGen C3809278, MONDO:0014150, OMIM 615369.

Allele frequency attached by ClinVar (database versions not stated): gnomAD exomes below 0.00001.

Submission:

Labcorp Genetics (formerly Invitae), Labcorp
Classification: Uncertain significance for Developmental and epileptic encephalopathy 94. Last evaluated: 2025-10-02. Review status: criteria provided, single submitter. Criteria: Invitae Variant Classification Sherloc (09022015). Collection method: clinical testing. Allele origin: germline.
Comment: This sequence change falls in intron 25 of the CHD2 gene. It does not directly change the encoded amino acid sequence of the CHD2 protein. It affects a nucleotide within the consensus splice site. This variant is present in population databases (no rsID available, gnomAD 0.003%). This variant has not been reported in the literature in individuals affected with CHD2-related conditions. ClinVar contains an entry for this variant (Variation ID: 474382). Variants that disrupt the consensus splice site are a relatively common cause of aberrant splicing (PMID: 17576681, 9536098). Algorithms developed to predict the effect of sequence changes on RNA splicing suggest that this variant is not likely to affect RNA splicing. In summary, the available evidence is currently insufficient to determine the role of this variant in disease. Therefore, it has been classified as a Variant of Uncertain Significance.

Literature cited by the submitters: PubMed 17576681; PubMed 9536098.